The following is an entry in ClinVar:

NM_198904.4(GABRG2):c.644G>C (p.Arg215Pro)

Gene: GABRG2 (gamma-aminobutyric acid type A receptor subunit gamma2; plus strand). Cytogenetic location: 5q34.
Variant type: single nucleotide variant.
Coding change: c.644G>C on transcript NM_198904.4 (MANE Select); coding-DNA position 644, G replaced by C.
Protein change: p.Arg215Pro; replaces arginine 215 with proline.
Molecular consequence: missense variant.
Genome position (GRCh38, 1-based): chr5:162,103,901, G>C. VCF-style: chr5-162103901-G-C. GRCh37 (hg19) VCF-style: chr5-161530907-G-C.
Other names: c.644G>C, p.Arg215Pro (NM_000816.3, NM_001375340.1, NM_001375341.1 and 2 more transcripts); c.635G>C, p.Arg212Pro (NM_001375339.1); c.764G>C, p.Arg255Pro (NM_001375343.1, NM_198903.2); c.578G>C, p.Arg193Pro (NM_001375345.1, NM_001375346.1); c.557G>C, p.Arg186Pro (NM_001375347.1); c.224G>C, p.Arg75Pro (NM_001375348.1, NM_001375350.1); c.359G>C, p.Arg120Pro (NM_001375349.1); short protein forms R215P, R255P, R120P, R186P, R193P, R212P, R75P.
Identifiers: ClinVar variation 574466 (VCV000574466.9), dbSNP rs1561645172, ClinGen allele CA362184987.

ClinVar aggregate classification (germline): Uncertain significance (1 of 4 stars; one submission).

Conditions:
Febrile seizures, familial, 8 (FEB8). Also called: CONVULSIONS, FAMILIAL FEBRILE, 8. Identifiers: Orphanet 36387, MedGen C1969810, MONDO:0011891, OMIM 607681.
EPILEPSY, CHILDHOOD ABSENCE, SUSCEPTIBILITY TO, 2 (ECA2). Identifiers: Orphanet 64280, MedGen C1843244, OMIM 607681.

Allele frequency attached by ClinVar (database versions not stated): TOPMed below 0.00001.
gnomAD v4.1: 1 of 1,613,902 alleles (0.000062%); highest among the groups gnomAD compares: African/African-American, 0.0013%; no homozygotes.

Submission:

Labcorp Genetics (formerly Invitae), Labcorp
Classification: Uncertain significance for Febrile seizures, familial, 8; EPILEPSY, CHILDHOOD ABSENCE, SUSCEPTIBILITY TO, 2. Last evaluated: 2024-10-22. Review status: criteria provided, single submitter. Criteria: Invitae Variant Classification Sherloc (09022015). Collection method: clinical testing. Allele origin: germline.
Comment: This sequence change replaces arginine, which is basic and polar, with proline, which is neutral and non-polar, at codon 215 of the GABRG2 protein (p.Arg215Pro). This variant is not present in population databases (gnomAD no frequency). This variant has not been reported in the literature in individuals affected with GABRG2-related conditions. ClinVar contains an entry for this variant (Variation ID: 574466). Invitae Evidence Modeling of protein sequence and biophysical properties (such as structural, functional, and spatial information, amino acid conservation, physicochemical variation, residue mobility, and thermodynamic stability) has been performed for this missense variant. However, the output from this modeling did not meet the statistical confidence thresholds required to predict the impact of this variant on GABRG2 protein function. In summary, the available evidence is currently insufficient to determine the role of this variant in disease. Therefore, it has been classified as a Variant of Uncertain Significance.